The following is an entry in ClinVar:

NM_001287491.2(TET3):c.5234A>C (p.Lys1745Thr)

Gene: TET3 (tet methylcytosine dioxygenase 3; plus strand). Cytogenetic location: 2p13.1.
Variant type: single nucleotide variant.
Coding change: c.5234A>C on transcript NM_001287491.2 (MANE Select); coding-DNA position 5234, A replaced by C.
Protein change: p.Lys1745Thr; replaces lysine 1745 with threonine.
Molecular consequence: missense variant.
Genome position (GRCh38, 1-based): chr2:74,102,022, A>C. VCF-style: chr2-74102022-A-C. GRCh37 (hg19) VCF-style: chr2-74329149-A-C.
Other names: c.4955A>C, p.Lys1652Thr (NM_001366022.1); short protein forms K1652T, K1745T.
Identifiers: ClinVar variation 4057000 (VCV004057000.2).
Genomic context (GRCh38, chr2:74,102,022, plus strand): 5'-AGGAGGCTGCCCGGCTGGGCCTGGGCCAGCAGGAGGCCAAGCTCTACGGGAAGAAGCGCA[A>C]GTGGGGGGGCACTGTGGTTGCTGAGCCCCAGCAGAAAGAGAAGAAGGGGGTCGTCCCCAC-3'
Protein context (NP_001274420.1, residues 1735-1755): QEAKLYGKKR[Lys1745Thr]WGGTVVAEPQ

ClinVar aggregate classification (germline): Uncertain significance (1 of 4 stars; one submission).

Submission:

GeneDx
Classification: Uncertain significance. Last evaluated: 2026-10-05. Review status: criteria provided, single submitter. Criteria: GeneDx Variant Classification Process June 2021. Collection method: clinical testing. Allele origin: germline.
Comment: Not observed at significant frequency in large population cohorts (gnomAD); In silico analysis supports that this missense variant has a deleterious effect on protein structure/function; Has not been previously published as pathogenic or benign to our knowledge